The following is an entry in ClinVar:

ClinVar aggregate classification (germline): Likely benign. Review status: criteria provided, multiple submitters, no conflicts (2 of 4 stars). 3 submissions from 3 submitters: Likely benign (3). Last evaluated 2025-08-21.

Conditions:
Long QT syndrome (LQTS). Identifiers: MedGen C0023976, MeSH D008133, MONDO:0002442. Disease mechanism: loss of function. Inheritance: Various modes of inheritance.
Cardiac arrhythmia. Also called: Cardiac rhythm disease; Arrhythmia. Identifiers: MedGen C0003811, MONDO:0007263, HP:0011675.

Allele frequency attached by ClinVar (database versions not stated): gnomAD exomes below 0.00001; gnomAD 0.00001; TOPMed 0.00001.
gnomAD v4.1: 9 of 1,614,030 alleles (0.00056%); highest among the groups gnomAD compares: East Asian, 0.0067%; no homozygotes.

Submissions (3):

Labcorp Genetics (formerly Invitae), Labcorp
Classification: Likely benign for Long QT syndrome. Last evaluated: 2025-08-21. Review status: criteria provided, single submitter. Criteria: Invitae Variant Classification Sherloc (09022015). Collection method: clinical testing. Allele origin: germline.

All of Us Research Program, National Institutes of Health
Classification: Likely benign for Long QT syndrome. Last evaluated: 2023-12-18. Review status: criteria provided, single submitter. Criteria: ACMG Guidelines, 2015. Collection method: clinical testing. Allele origin: germline. Inheritance: Autosomal dominant inheritance. Observed: 4 variant alleles, 4 heterozygotes.
Comment: This study involves interpretation of variants in research participants for the purpose of population health screening. Participant phenotype was not available at the time of variant classification. Additional details can be found in publication PMID: 35346344, PMCID: PMC8962531

Color Diagnostics, LLC DBA Color Health
Classification: Likely benign for Arrhythmia. Last evaluated: 2020-01-15. Review status: criteria provided, single submitter. Criteria: ACMG Guidelines, 2015. Collection method: clinical testing. Allele origin: germline.

NM_000238.4(KCNH2):c.1470C>T (p.Ala490=)

Gene: KCNH2 (potassium voltage-gated channel subfamily H member 2; minus strand). Cytogenetic location: 7q36.1.
Variant type: single nucleotide variant.
Coding change: c.1470C>T on transcript NM_000238.4 (MANE Select); coding-DNA position 1470, C replaced by T.
Protein change: p.Ala490=; no amino-acid change (alanine 490 retained).
Molecular consequence: synonymous variant. On other transcripts: non-coding transcript variant (2).
Genome position (GRCh38, 1-based): chr7:150,952,512, G>A on the plus strand (C>T on the coding strand, the complement: KCNH2 is on the minus strand). VCF-style: chr7-150952512-G-A. GRCh37 (hg19) VCF-style: chr7-150649600-G-A.
Other names: c.450C>T, p.Ala150= (NM_001204798.2, NM_172057.3); c.1182C>T, p.Ala394= (NM_001406753.1, NM_001406756.1); c.1293C>T, p.Ala431= (NM_001406755.1); c.1170C>T, p.Ala390= (NM_001406757.1); c.1470C>T, p.Ala490= (NM_172056.3).
Identifiers: ClinVar variation 925729 (VCV000925729.14), dbSNP rs1228965902, ClinGen allele CA458871615.
Genomic context (GRCh38, chr7:150,952,512, plus strand): 5'-CAGGTCGAAGGGGATGGCGGCCACCATGTCGATGAGGAACCAGCCCTTGAAGTAGTGGAC[G>A]GCGATGCGGCCGGGGTGGCTGACCACCTCCTCGTTGGCATTGACGTAGGTGGTGCGGAAG-3'
Protein context (NP_000229.1, residues 480-500): EEVVSHPGRI[Ala490=]VHYFKGWFLI